The following is an entry in ClinVar:

ClinVar aggregate classification (germline): Uncertain significance. Review status: criteria provided, multiple submitters, no conflicts (2 of 4 stars). 4 submissions from 4 submitters: Uncertain significance (4). Last evaluated 2025-12-26.

Conditions:
Nephronophthisis 7 (NPHP7). Identifiers: Orphanet 655, MedGen C1969092, MONDO:0012680, OMIM 611498.
GLIS2-related disorder. Also called: GLIS2-related condition.

Allele frequency attached by ClinVar (database versions not stated): gnomAD 0.00004 and 0.00011; TOPMed 0.00005; ESP Exome Variant Server 0.00008; gnomAD exomes 0.00013 and 0.00032; ExAC 0.00034; 1000 Genomes Project 30x 0.00047; 1000 Genomes Project 0.00060.

Submissions (4):

PreventionGenetics, part of Exact Sciences
Classification: Uncertain significance for GLIS2-related condition. Last evaluated: 2025-12-26. Review status: criteria provided, single submitter. Criteria: ACMG Guidelines, 2015. Collection method: clinical testing. Allele origin: germline.
Comment: The GLIS2 c.1403C>T variant is predicted to result in the amino acid substitution p.Thr468Met. This variant was reported in an individual with polycystic kidney disease (Suzuki et al. 2023. PubMed ID: 36833371). This variant is reported in 0.13% of alleles in individuals of East Asian descent in gnomAD. Although we suspect that this variant may be benign, at this time, the clinical significance of this variant is uncertain due to the absence of conclusive functional and genetic evidence.

Fulgent Genetics
Classification: Uncertain significance for Nephronophthisis 7. Last evaluated: 2024-01-17. Review status: criteria provided, single submitter. Criteria: ACMG Guidelines, 2015. Collection method: clinical testing. Allele origin: germline.

GeneDx
Classification: Uncertain significance. Last evaluated: 2023-06-16. Review status: criteria provided, single submitter. Criteria: GeneDx Variant Classification Process June 2021. Collection method: clinical testing. Allele origin: germline. Affected: yes.
Comment: In silico analysis supports that this missense variant does not alter protein structure/function; This variant is associated with the following publications: (PMID: 36833371)

Illumina Laboratory Services, Illumina
Classification: Uncertain significance for Nephronophthisis 7. Last evaluated: 2018-01-13. Review status: criteria provided, single submitter. Criteria: ICSL Variant Classification Criteria 13 December 2019. Collection method: clinical testing. Allele origin: germline.

NM_032575.3(GLIS2):c.1403C>T (p.Thr468Met)

Gene: GLIS2 (GLIS family zinc finger 2; plus strand). Cytogenetic location: 16p13.3.
Variant type: single nucleotide variant.
Coding change: c.1403C>T on transcript NM_032575.3 (MANE Select); coding-DNA position 1403, C replaced by T.
Protein change: p.Thr468Met; replaces threonine 468 with methionine.
Molecular consequence: missense variant.
Genome position (GRCh38, 1-based): chr16:4,337,352, C>T. VCF-style: chr16-4337352-C-T. GRCh37 (hg19) VCF-style: chr16-4387353-C-T.
Other names: c.1403C>T, p.Thr468Met (NM_001318918.2); short protein forms T468M.
Identifiers: ClinVar variation 319222 (VCV000319222.10), dbSNP rs138285254, ClinGen allele CA7873256.